The following is an entry in ClinVar:

ClinVar aggregate classification (germline): Uncertain significance (1 of 4 stars; one submission).

Conditions:
Dyskeratosis congenita. Identifiers: Orphanet 1775, MedGen C0265965, MONDO:0015780.

Submission:

Ambry Genetics
Classification: Uncertain significance for Dyskeratosis congenita. Last evaluated: 2025-02-20. Review status: criteria provided, single submitter. Criteria: Ambry Variant Classification Scheme 2023. Collection method: clinical testing. Allele origin: germline.
Comment: The p.Q921H variant (also known as c.2763G>C), located in coding exon 11 of the TERT gene, results from a G to C substitution at nucleotide position 2763. The glutamine at codon 921 is replaced by histidine, an amino acid with highly similar properties. This amino acid position is conserved. In addition, the in silico prediction for this alteration is inconclusive. Based on the available evidence, the clinical significance of this variant remains unclear.

NM_198253.3(TERT):c.2763G>C (p.Gln921His)

Gene: TERT (telomerase reverse transcriptase; minus strand). Cytogenetic location: 5p15.33.
Variant type: single nucleotide variant.
Coding change: c.2763G>C on transcript NM_198253.3 (MANE Select); coding-DNA position 2763, G replaced by C.
Protein change: p.Gln921His; replaces glutamine 921 with histidine.
Molecular consequence: missense variant. On other transcripts: intron variant (1).
Genome position (GRCh38, 1-based): chr5:1,264,484, C>G on the plus strand (G>C on the coding strand, the complement: TERT is on the minus strand). VCF-style: chr5-1264484-C-G. GRCh37 (hg19) VCF-style: chr5-1264599-C-G.
Other names: c.2654+1980G>C (NM_001193376.3); short protein forms Q921H.
Identifiers: ClinVar variation 3805797 (VCV003805797.1).